The following is an entry in ClinVar:

ClinVar aggregate classification (germline): Likely benign (1 of 4 stars; one submission).

Submission:

CeGaT Center for Human Genetics Tuebingen
Classification: Likely benign. Last evaluated: 2022-03-01. Review status: criteria provided, single submitter. Criteria: CeGaT Center For Human Genetics Tuebingen Variant Classification Criteria Version 2. Collection method: clinical testing. Allele origin: germline. Affected: yes. Observed: 1 variant allele.
Comment: SYNE2: PM2:Supporting, BP4, BP7

NM_182914.3(SYNE2):c.201C>T (p.Leu67=)

Gene: SYNE2 (spectrin repeat containing nuclear envelope protein 2; plus strand). Cytogenetic location: 14q23.2.
Variant type: single nucleotide variant.
Coding change: c.201C>T on transcript NM_182914.3 (MANE Select); coding-DNA position 201, C replaced by T.
Protein change: p.Leu67=; no amino-acid change (leucine 67 retained).
Molecular consequence: synonymous variant.
Genome position (GRCh38, 1-based): chr14:63,941,754, C>T. VCF-style: chr14-63941754-C-T. GRCh37 (hg19) VCF-style: chr14-64408472-C-T.
Other names: c.201C>T, p.Leu67= (NM_015180.6).
Identifiers: ClinVar variation 2644277 (VCV002644277.24), dbSNP rs2550515009, ClinGen allele CA486691058.